The following is an entry in ClinVar:

ClinVar aggregate classification (germline): Uncertain significance (1 of 4 stars; one submission).

Submission:

Labcorp Genetics (formerly Invitae), Labcorp
Classification: Uncertain significance. Last evaluated: 2022-08-09. Review status: criteria provided, single submitter. Criteria: Invitae Variant Classification Sherloc (09022015). Collection method: clinical testing. Allele origin: germline.
Comment: In summary, the available evidence is currently insufficient to determine the role of this variant in disease. Therefore, it has been classified as a Variant of Uncertain Significance. Algorithms developed to predict the effect of missense changes on protein structure and function (SIFT, PolyPhen-2, Align-GVGD) all suggest that this variant is likely to be tolerated. This variant has not been reported in the literature in individuals affected with DHX32-related conditions. This variant is not present in population databases (gnomAD no frequency). This sequence change replaces histidine, which is basic and polar, with tyrosine, which is neutral and polar, at codon 524 of the DHX32 protein (p.His524Tyr).

NM_018180.3(DHX32):c.1570C>T (p.His524Tyr)

Genes: BCCIP (BRCA2 and CDKN1A interacting protein; plus strand), DHX32 (DEAH-box helicase 32 (putative); minus strand). Cytogenetic location: 10q26.2.
Variant type: single nucleotide variant.
Coding change: c.1570C>T on transcript NM_018180.3 (MANE Select); coding-DNA position 1570, C replaced by T.
Protein change: p.His524Tyr; replaces histidine 524 with tyrosine.
Molecular consequence: missense variant. On other transcripts: intron variant (2).
Genome position (GRCh38, 1-based): chr10:125,840,970, G>A on the plus strand (C>T on the coding strand, the complement: DHX32 is on the minus strand). VCF-style: chr10-125840970-G-A. GRCh37 (hg19) VCF-style: chr10-127529539-G-A.
Other names: c.775-285G>A (NM_016567.4, NM_078469.3); short protein forms H524Y.
Identifiers: ClinVar variation 2090290 (VCV002090290.4), dbSNP rs1854860899, ClinGen allele CA378673614.
Genomic context (GRCh38, chr10:125,840,970, plus strand): 5'-GATCTCCTTCGGGATGTAAAAATGTCTTCCAACAAGTCAAGGCAGCCTCTTCAGCTCCAT[G>A]TGGCACATGTGAAAAGCAATTTGGAGCTTCAAAATGAAAAAGGTCACATGGTTAGCAATA-3'
Protein context (NP_060650.2, residues 514-534): TAPNCFSHVP[His524Tyr]GAEEAALTCW